The following is an entry in ClinVar:

NM_006164.5(NFE2L2):c.488A>G (p.Gln163Arg)

Gene: NFE2L2 (NFE2 like bZIP transcription factor 2; minus strand). Cytogenetic location: 2q31.2.
Variant type: single nucleotide variant.
Coding change: c.488A>G on transcript NM_006164.5 (MANE Select); coding-DNA position 488, A replaced by G.
Protein change: p.Gln163Arg; replaces glutamine 163 with arginine.
Molecular consequence: missense variant.
Genome position (GRCh38, 1-based): chr2:177,232,498, T>C on the plus strand (A>G on the coding strand, the complement: NFE2L2 is on the minus strand). VCF-style: chr2-177232498-T-C. GRCh37 (hg19) VCF-style: chr2-178097226-T-C.
Other names: c.440A>G, p.Gln147Arg (NM_001145412.3, NM_001313900.1, NM_001313901.1); c.419A>G, p.Gln140Arg (NM_001145413.3); c.398A>G, p.Gln133Arg (NM_001313902.2); c.269A>G, p.Gln90Arg (NM_001313903.2); c.188A>G, p.Gln63Arg (NM_001313904.1); short protein forms Q63R, Q133R, Q140R, Q147R, Q163R, Q90R.
Identifiers: ClinVar variation 1433451 (VCV001433451.6), dbSNP rs2105455383, ClinGen allele CA349376362.

ClinVar aggregate classification (germline): Uncertain significance (1 of 4 stars; one submission).

Submission:

Labcorp Genetics (formerly Invitae), Labcorp
Classification: Uncertain significance. Last evaluated: 2022-10-14. Review status: criteria provided, single submitter. Criteria: Invitae Variant Classification Sherloc (09022015). Collection method: clinical testing. Allele origin: germline.
Comment: This variant has not been reported in the literature in individuals affected with NFE2L2-related conditions. In summary, the available evidence is currently insufficient to determine the role of this variant in disease. Therefore, it has been classified as a Variant of Uncertain Significance. Advanced modeling of protein sequence and biophysical properties (such as structural, functional, and spatial information, amino acid conservation, physicochemical variation, residue mobility, and thermodynamic stability) has been performed at Invitae for this missense variant, however the output from this modeling did not meet the statistical confidence thresholds required to predict the impact of this variant on NFE2L2 protein function. ClinVar contains an entry for this variant (Variation ID: 1433451). This variant is not present in population databases (gnomAD no frequency). This sequence change replaces glutamine, which is neutral and polar, with arginine, which is basic and polar, at codon 163 of the NFE2L2 protein (p.Gln163Arg).